The following is an entry in ClinVar:

ClinVar aggregate classification (germline): Uncertain significance (1 of 4 stars; one submission).

Conditions:
Inborn genetic diseases. Identifiers: MedGen C0950123, MeSH D030342.

Submission:

Ambry Genetics
Classification: Uncertain significance for Inborn genetic diseases. Last evaluated: 2025-04-24. Review status: criteria provided, single submitter. Criteria: Ambry Variant Classification Scheme 2023. Collection method: clinical testing. Allele origin: germline.
Comment: The p.H508L variant (also known as c.1523A>T), located in coding exon 13 of the KDM1A gene, results from an A to T substitution at nucleotide position 1523. The histidine at codon 508 is replaced by leucine, an amino acid with similar properties. This amino acid position is conserved. In addition, the in silico prediction for this alteration is inconclusive. Based on the available evidence, the clinical significance of this variant remains unclear.

NM_001009999.3(KDM1A):c.1523A>T (p.His508Leu)

Gene: KDM1A (lysine demethylase 1A; plus strand). Cytogenetic location: 1p36.12.
Variant type: single nucleotide variant.
Coding change: c.1523A>T on transcript NM_001009999.3 (MANE Select); coding-DNA position 1523, A replaced by T.
Protein change: p.His508Leu; replaces histidine 508 with leucine.
Molecular consequence: missense variant.
Genome position (GRCh38, 1-based): chr1:23,071,334, A>T. VCF-style: chr1-23071334-A-T. GRCh37 (hg19) VCF-style: chr1-23397827-A-T.
Other names: c.1451A>T, p.His484Leu (NM_001363654.2, NM_001410763.1, NM_015013.4); c.1511A>T, p.His504Leu (NM_001410762.1); short protein forms H504L, H508L, H484L.
Identifiers: ClinVar variation 4042118 (VCV004042118.1).